The following is an entry in ClinVar:

NM_205836.3(FBXO38):c.1591C>G (p.Pro531Ala)

Gene: FBXO38 (F-box protein 38; plus strand). Cytogenetic location: 5q32.
Variant type: single nucleotide variant.
Coding change: c.1591C>G on transcript NM_205836.3 (MANE Select); coding-DNA position 1591, C replaced by G.
Protein change: p.Pro531Ala; replaces proline 531 with alanine.
Molecular consequence: missense variant.
Genome position (GRCh38, 1-based): chr5:148,417,177, C>G. VCF-style: chr5-148417177-C-G. GRCh37 (hg19) VCF-style: chr5-147796740-C-G.
Other names: c.1591C>G, p.Pro531Ala (NM_001271723.2, NM_030793.5); short protein forms P531A.
Identifiers: ClinVar variation 1514865 (VCV001514865.6), dbSNP rs928826029, ClinGen allele CA128977721.

ClinVar aggregate classification (germline): Uncertain significance (1 of 4 stars; one submission).

Conditions:
Distal hereditary motor neuropathy type 2. Identifiers: Orphanet 139525, MedGen C3711384, MeSH C580044, MONDO:0015352.

Allele frequency attached by ClinVar (database versions not stated): gnomAD exomes below 0.00001; TOPMed below 0.00001; gnomAD 0.00001.
gnomAD v4.1: 3 of 1,613,068 alleles (0.00019%); highest among the groups gnomAD compares: Non-Finnish European, 0.00017%; no homozygotes.

Submission:

Labcorp Genetics (formerly Invitae), Labcorp
Classification: Uncertain significance for Distal hereditary motor neuropathy type 2. Last evaluated: 2021-08-02. Review status: criteria provided, single submitter. Criteria: Invitae Variant Classification Sherloc (09022015). Collection method: clinical testing. Allele origin: germline.
Comment: In summary, the available evidence is currently insufficient to determine the role of this variant in disease. Therefore, it has been classified as a Variant of Uncertain Significance. Algorithms developed to predict the effect of missense changes on protein structure and function output the following: SIFT: "Tolerated"; PolyPhen-2: "Benign"; Align-GVGD: "Class C0". The alanine amino acid residue is found in multiple mammalian species, which suggests that this missense change does not adversely affect protein function. This variant has not been reported in the literature in individuals affected with FBXO38-related conditions. This variant is not present in population databases (ExAC no frequency). This sequence change replaces proline with alanine at codon 531 of the FBXO38 protein (p.Pro531Ala). The proline residue is weakly conserved and there is a small physicochemical difference between proline and alanine.